The following is an entry in ClinVar:

ClinVar aggregate classification (germline): Uncertain significance (1 of 4 stars; one submission).

Conditions:
Hereditary nonpolyposis colorectal neoplasms. Identifiers: MedGen C0009405, MeSH D003123.

Submission:

Labcorp Genetics (formerly Invitae), Labcorp
Classification: Uncertain significance for Hereditary nonpolyposis colorectal neoplasms. Last evaluated: 2022-03-05. Review status: criteria provided, single submitter. Criteria: Invitae Variant Classification Sherloc (09022015). Collection method: clinical testing. Allele origin: germline.
Comment: In summary, the available evidence is currently insufficient to determine the role of this variant in disease. Therefore, it has been classified as a Variant of Uncertain Significance. Advanced modeling of protein sequence and biophysical properties (such as structural, functional, and spatial information, amino acid conservation, physicochemical variation, residue mobility, and thermodynamic stability) performed at Invitae indicates that this missense variant is not expected to disrupt PMS2 protein function. ClinVar contains an entry for this variant (Variation ID: 1061813). This variant has not been reported in the literature in individuals affected with PMS2-related conditions. This variant is not present in population databases (gnomAD no frequency). This sequence change replaces lysine, which is basic and polar, with methionine, which is neutral and non-polar, at codon 577 of the PMS2 protein (p.Lys577Met).

NM_000535.7(PMS2):c.1730A>T (p.Lys577Met)

Gene: PMS2 (PMS1 homolog 2, mismatch repair system component; minus strand). Cytogenetic location: 7p22.1.
Variant type: single nucleotide variant.
Coding change: c.1730A>T on transcript NM_000535.7 (MANE Select); coding-DNA position 1730, A replaced by T.
Protein change: p.Lys577Met; replaces lysine 577 with methionine.
Molecular consequence: missense variant. On other transcripts: non-coding transcript variant (1).
Genome position (GRCh38, 1-based): chr7:5,987,035, T>A on the plus strand (A>T on the coding strand, the complement: PMS2 is on the minus strand). VCF-style: chr7-5987035-T-A. GRCh37 (hg19) VCF-style: chr7-6026666-T-A.
Other names: c.1325A>T, p.Lys442Met (NM_001322003.2, NM_001322004.2, NM_001322005.2 and 1 more transcripts); c.1574A>T, p.Lys525Met (NM_001322006.2); c.1412A>T, p.Lys471Met (NM_001322007.2, NM_001322008.2); c.1169A>T, p.Lys390Met (NM_001322010.2); c.797A>T, p.Lys266Met (NM_001322011.2, NM_001322012.2); c.1157A>T, p.Lys386Met (NM_001322013.2); c.1730A>T, p.Lys577Met (NM_001322014.2); c.1421A>T, p.Lys474Met (NM_001322015.2); short protein forms K266M, K386M, K390M, K442M, K471M, K474M, K525M, K577M.
Identifiers: ClinVar variation 1061813 (VCV001061813.9), dbSNP rs2128724485, ClinGen allele CA366740141.